The following is an entry in ClinVar:

NM_004360.5(CDH1):c.1937-29T>C

Gene: CDH1 (cadherin 1; plus strand). Cytogenetic location: 16q22.1.
Variant type: single nucleotide variant.
Coding change: c.1937-29T>C on transcript NM_004360.5 (MANE Select); 29 bases into the intron before coding-DNA position 1937, T replaced by C.
Molecular consequence: intron variant.
Genome position (GRCh38, 1-based): chr16:68,823,370, T>C. VCF-style: chr16-68823370-T-C. GRCh37 (hg19) VCF-style: chr16-68857273-T-C.
Other names: c.389-29T>C (NM_001317185.2); c.-29-29T>C (NM_001317186.2); c.1754-29T>C (NM_001317184.2).
Identifiers: ClinVar variation 2502985 (VCV002502985.3), dbSNP rs750114318, ClinGen allele CA8130172.

ClinVar aggregate classification (germline): Conflicting classifications of pathogenicity. Review status: criteria provided, conflicting classifications (1 of 4 stars). 2 submissions from 2 submitters: Uncertain significance (1); Likely benign (1). Last evaluated 2025-03-04.

Conditions:
Hereditary diffuse gastric adenocarcinoma (HDGC). Also called: DIFFUSE GASTRIC AND LOBULAR BREAST CANCER SYNDROME. Identifiers: Orphanet 26106, MedGen C1708349, MONDO:0007648, OMIM 137215.

Allele frequency attached by ClinVar (database versions not stated): ExAC 0.00001; gnomAD exomes 0.00001; TOPMed 0.00001.
gnomAD v4.1: 11 of 1,480,694 alleles (0.00074%); highest among the groups gnomAD compares: East Asian, 0.0045%; no homozygotes.

Submissions (2):

Center for Genomic Medicine, Rigshospitalet, Copenhagen University Hospital
Classification: Likely benign. Last evaluated: 2025-03-04. Review status: criteria provided, single submitter. Criteria: ACMG Guidelines, 2015. Collection method: clinical testing. Allele origin: germline.

European Reference Network on Genetic Tumour Risk Syndromes (ERN-GENTURIS), i3s - Instituto de Investigação e Inovação em Saúde, University of Porto
Classification: Uncertain significance for Hereditary diffuse gastric adenocarcinoma. Last evaluated: 2022-08-01. Review status: criteria provided, single submitter. Criteria: Lee et al. (Hum Mutat. 2018). Collection method: clinical testing. Allele origin: germline. Inheritance: Autosomal dominant inheritance. Affected: no. Study: ERN GENTURIS.
Comment: Not applicable criteria (PMID: 30311375)

Literature cited by the submitters: PubMed 36436516 (cited by Center for Genomic Medicine, Rigshospitalet, Copenhagen University Hospital and European Reference Network on Genetic Tumour Risk Syndromes (ERN-GENTURIS), i3s - Instituto de Investigação e Inovação em Saúde, University of Porto).